The following is an entry in ClinVar:

ClinVar aggregate classification (germline): Likely pathogenic. Review status: criteria provided, multiple submitters, no conflicts (2 of 4 stars). 2 submissions from 2 submitters: Likely pathogenic (2). Last evaluated 2025-04-24.

Conditions:
FANCD2-related disorder. Also called: FANCD2-related condition.
Fanconi anemia complementation group D2. Also called: FANCONI ANEMIA, COMPLEMENTATION GROUP D; FANCD2-Related Fanconi Anemia; FANCONI PANCYTOPENIA, TYPE 4. Identifiers: Orphanet 84, MedGen C3160738, MONDO:0009214, OMIM 227646.

Submissions (2):

PreventionGenetics, part of Exact Sciences
Classification: Likely pathogenic for FANCD2-related condition. Last evaluated: 2025-04-24. Review status: criteria provided, single submitter. Criteria: ACMG Guidelines, 2015. Collection method: clinical testing. Allele origin: germline.
Comment: The FANCD2 c.1632_1633delGA variant is predicted to result in premature protein termination (p.Asn545*). This variant has been reported heterozygous in an individual with congenital heart disease (referred to as 3-10094155-CAG-C in eTable 4, Morton et al. 2021. PubMed ID: 33084842). This variant is reported in 0.00088% of alleles in individuals of European (Non-Finnish) descent in gnomAD. Nonsense variants in FANCD2 are expected to be pathogenic. This variant is interpreted as likely pathogenic.

Baylor Genetics
Classification: Likely pathogenic for Fanconi anemia complementation group D2. Last evaluated: 2021-12-09. Review status: criteria provided, single submitter. Criteria: ACMG Guidelines, 2015. Collection method: clinical testing. Allele origin: unknown.

NM_001018115.3(FANCD2):c.1632_1633del (p.Gln544_Asn545insTer)

Genes: FANCD2 (FA complementation group D2; plus strand), LOC107303338 (3p25 FANCD2 Alu-mediated recombination region; plus strand). Cytogenetic location: 3p25.3.
Variant type: Deletion.
Coding change: c.1632_1633del on transcript NM_001018115.3 (MANE Select); coding-DNA positions 1632 to 1633, 2 bases deleted (GA; older notation c.1632_1633delGA).
Protein change: p.Gln544_Asn545insTer.
Molecular consequence: frameshift variant. On other transcripts: intron variant (1).
Genome position (GRCh38, 1-based): chr3:10,052,473-10,052,474, GA deleted; deleting any 2 consecutive bases within chr3:10,052,472-10,052,474 gives the same sequence; the c. name uses the placement nearest the transcript's 3' end. VCF-style (leftmost placement, unchanged base first): chr3-10052471-CAG-C. GRCh37 (hg19) VCF-style: chr3-10094155-CAG-C.
Other names: c.1632_1633delGA (NM_001018115.2); c.1632_1633del, p.Gln544_Asn545insTer (NM_001319984.2, NM_001374254.1, NM_033084.6); c.1545+2968_1545+2969del (NM_001374253.1).
Identifiers: ClinVar variation 2675529 (VCV002675529.2), dbSNP rs1445228076, ClinGen allele CA540894176.